The following is an entry in ClinVar:

NM_006517.5(SLC16A2):c.1206GAT[1] (p.Met403del)

Gene: SLC16A2 (solute carrier family 16 member 2; plus strand). Cytogenetic location: Xq13.2.
Variant type: Microsatellite.
Coding change: c.1206GAT[1] on transcript NM_006517.5 (MANE Select); one copy of the 3-base unit GAT starting at c.1206; the reference has two copies in a row; one copy, 3 bases deleted.
Protein change: p.Met403del; deletes methionine 403.
Genome position (GRCh38, 1-based): chrX:74,529,251-74,529,253, GAT deleted; deleting any 3 consecutive bases within chrX:74,529,246-74,529,253 gives the same sequence; the position shown is the placement nearest the transcript's 3' end. VCF-style (leftmost placement, unchanged base first): chrX-74529245-CATG-C. GRCh37 (hg19) VCF-style: chrX-73749080-CATG-C.
Other names: short protein forms M403del.
Identifiers: ClinVar variation 3774926 (VCV003774926.1).

ClinVar aggregate classification (germline): Uncertain significance (1 of 4 stars; one submission).

Submission:

GeneDx
Classification: Uncertain significance. Last evaluated: 2024-09-25. Review status: criteria provided, single submitter. Criteria: GeneDx Variant Classification Process June 2021. Collection method: clinical testing. Allele origin: germline. Affected: yes.
Comment: Not observed at significant frequency in large population cohorts (gnomAD); In-frame deletion of 1 amino acid in a non-repeat region; In silico analysis supports a deleterious effect on protein structure/function; Has not been previously published as pathogenic or benign to our knowledge